The following is an entry in ClinVar:

NM_012431.3(SEMA3E):c.499A>G (p.Arg167Gly)

Gene: SEMA3E (semaphorin 3E; minus strand). Cytogenetic location: 7q21.11.
Variant type: single nucleotide variant.
Coding change: c.499A>G on transcript NM_012431.3 (MANE Select); coding-DNA position 499, A replaced by G.
Protein change: p.Arg167Gly; replaces arginine 167 with glycine.
Molecular consequence: missense variant.
Genome position (GRCh38, 1-based): chr7:83,418,441, T>C on the plus strand (A>G on the coding strand, the complement: SEMA3E is on the minus strand). VCF-style: chr7-83418441-T-C. GRCh37 (hg19) VCF-style: chr7-83047757-T-C.
Other names: c.319A>G, p.Arg107Gly (NM_001178129.2); short protein forms R107G, R167G.
Identifiers: ClinVar variation 3356589 (VCV003356589.1).

ClinVar aggregate classification (germline): Uncertain significance (0 of 4 stars; one submission).

Conditions:
SEMA3E-related disorder. Also called: SEMA3E-related condition.

gnomAD v4.1: 4 of 1,611,900 alleles (0.00025%); highest among the groups gnomAD compares: African/African-American, 0.0027%; no homozygotes.

Submission:

PreventionGenetics, part of Exact Sciences
Classification: Uncertain significance for SEMA3E-related condition. Last evaluated: 2024-05-22. Review status: no assertion criteria provided. Collection method: clinical testing. Allele origin: germline.
Comment: The SEMA3E c.499A>G variant is predicted to result in the amino acid substitution p.Arg167Gly. This variant was reported in an individual with severe obesity (van der Klaauw et al 2019. PubMed ID: 30661757). This variant is reported in 0.013% of alleles in individuals of African descent in gnomAD. At this time, the clinical significance of this variant is uncertain due to the absence of conclusive functional and genetic evidence.